The following is an entry in ClinVar:

ClinVar aggregate classification (germline): Uncertain significance (1 of 4 stars; one submission).

Conditions:
Ullrich congenital muscular dystrophy 2 (UCMD2). Identifiers: Orphanet 75840, MedGen C4225314, MONDO:0014654, OMIM 616470.
Bethlem myopathy 2 (BTHLM2). Identifiers: Orphanet 536516, Orphanet 610, MedGen C4225313, MONDO:0034022, OMIM 616471.

Allele frequency attached by ClinVar (database versions not stated): gnomAD 0.00001; gnomAD exomes below 0.00001; TOPMed 0.00001.
gnomAD v4.1: 3 of 1,614,000 alleles (0.00019%); highest among the groups gnomAD compares: Non-Finnish European, 0.00025%; no homozygotes.

Submission:

Labcorp Genetics (formerly Invitae), Labcorp
Classification: Uncertain significance for Bethlem myopathy 2; Ullrich congenital muscular dystrophy 2. Last evaluated: 2026-01-06. Review status: criteria provided, single submitter. Criteria: Invitae Variant Classification Sherloc (09022015). Collection method: clinical testing. Allele origin: germline.
Comment: This sequence change replaces valine, which is neutral and non-polar, with alanine, which is neutral and non-polar, at codon 1971 of the COL12A1 protein (p.Val1971Ala). This variant is not present in population databases (gnomAD no frequency). This variant has not been reported in the literature in individuals affected with COL12A1-related conditions. ClinVar contains an entry for this variant (Variation ID: 2195777). Invitae Evidence Modeling of protein sequence and biophysical properties (such as structural, functional, and spatial information, amino acid conservation, physicochemical variation, residue mobility, and thermodynamic stability) indicates that this missense variant is not expected to disrupt COL12A1 protein function with a negative predictive value of 80%. In summary, the available evidence is currently insufficient to determine the role of this variant in disease. Therefore, it has been classified as a Variant of Uncertain Significance.

NM_004370.6(COL12A1):c.5912T>C (p.Val1971Ala)

Gene: COL12A1 (collagen type XII alpha 1 chain; minus strand). Cytogenetic location: 6q13.
Variant type: single nucleotide variant.
Coding change: c.5912T>C on transcript NM_004370.6 (MANE Select); coding-DNA position 5912, T replaced by C.
Protein change: p.Val1971Ala; replaces valine 1971 with alanine.
Molecular consequence: missense variant.
Genome position (GRCh38, 1-based): chr6:75,131,965, A>G on the plus strand (T>C on the coding strand, the complement: COL12A1 is on the minus strand). VCF-style: chr6-75131965-A-G. GRCh37 (hg19) VCF-style: chr6-75841681-A-G.
Other names: c.2420T>C, p.Val807Ala (NM_080645.3); short protein forms V1971A, V807A.
Identifiers: ClinVar variation 2195777 (VCV002195777.4), dbSNP rs1362881736, ClinGen allele CA364732739.